The following is an entry in ClinVar:

NM_000142.5(FGFR3):c.2413C>T (p.Arg805Trp)

Gene: FGFR3 (fibroblast growth factor receptor 3; plus strand). Cytogenetic location: 4p16.3.
Variant type: single nucleotide variant.
Coding change: c.2413C>T on transcript NM_000142.5 (MANE Select); coding-DNA position 2413, C replaced by T.
Protein change: p.Arg805Trp; replaces arginine 805 with tryptophan.
Molecular consequence: missense variant. On other transcripts: non-coding transcript variant (1).
Genome position (GRCh38, 1-based): chr4:1,807,254, C>T. VCF-style: chr4-1807254-C-T. GRCh37 (hg19) VCF-style: chr4-1808981-C-T.
Other names: c.2419C>T, p.Arg807Trp (NM_001163213.2); c.2416C>T, p.Arg806Trp (NM_001354809.2); c.2345C>T, p.Ala782Val (NM_001354810.2); c.2077C>T, p.Arg693Trp (NM_022965.4); short protein forms A782V, R807W, R693W, R805W, R806W.
Identifiers: ClinVar variation 651478 (VCV000651478.12), dbSNP rs369758941, ClinGen allele CA2810870.

ClinVar aggregate classification (germline): Uncertain significance. Review status: criteria provided, multiple submitters, no conflicts (2 of 4 stars). 3 submissions from 3 submitters: Uncertain significance (3). Last evaluated 2024-06-05.

Conditions:
Achondroplasia (ACH). Also called: Achondroplastic dwarfism. Identifiers: Orphanet 15, MedGen C0001080, MONDO:0007037, OMIM 100800. Disease mechanism: gain of function.
Camptodactyly-tall stature-scoliosis-hearing loss syndrome. Also called: CATSHL SYNDROME. Identifiers: Orphanet 85164, MedGen C1864852, MONDO:0012504, OMIM 610474.
Cervical cancer. Also called: Cancer of cervix; Cervical cancer, somatic; Cervix cancer. Identifiers: MedGen C4048328, MONDO:0002974, OMIM 603956, HP:0030079.
Crouzon syndrome-acanthosis nigricans syndrome. Also called: CROUZONODERMOSKELETAL SYNDROME. Identifiers: Orphanet 93262, MedGen C2677099, MONDO:0012833, OMIM 612247.
Hypochondroplasia (HCH). Identifiers: Orphanet 429, MedGen C0410529, MONDO:0007793, OMIM 146000. Disease mechanism: gain of function.
Colorectal cancer. Also called: Colorectal cancer, somatic; Malignant Colorectal Neoplasm. Identifiers: MedGen C0346629, MONDO:0005575, OMIM 114500.
Muenke syndrome (MNKES). Also called: MUENKE NONSYNDROMIC CORONAL CRANIOSYNOSTOSIS. Identifiers: Orphanet 53271, MedGen C1864436, MONDO:0011274, OMIM 602849.
Malignant tumor of urinary bladder. Also called: Bladder cancer; Urinary bladder cancer; Urinary Bladder Neoplasms. Identifiers: MedGen C0005684, MONDO:0001187, OMIM 109800.
Severe achondroplasia-developmental delay-acanthosis nigricans syndrome. Also called: Severe achondroplasia with developmental delay and acanthosis nigricans; SADDAN dysplasia. Identifiers: Orphanet 85165, MedGen C2674173, MONDO:0014658, OMIM 616482.
Levy-Hollister syndrome (LADD). Also called: LADD syndrome. Identifiers: Orphanet 2363, MedGen C0265269, MONDO:0007872.
Thanatophoric dysplasia type 1 (TD1). Also called: Thanatophoric Dysplasia Type 1 (TD Type 1); LETHAL SHORT-LIMBED PLATYSPONDYLIC DWARFISM, SAN DIEGO TYPE; PLATYSPONDYLIC LETHAL SKELETAL DYSPLASIA, SAN DIEGO TYPE. Identifiers: Orphanet 1860, Orphanet 2655, MedGen C1868678, MONDO:0008546, OMIM 187600. Disease mechanism: gain of function.
Thanatophoric dysplasia, type 2 (TD2). Also called: CLOVERLEAF SKULL WITH THANATOPHORIC DWARFISM; Thanatophoric Dysplasia Type 2 (TD Type 2); THANATOPHORIC DYSPLASIA WITH KLEEBLATTSCHAEDEL; THANATOPHORIC DYSPLASIA WITH STRAIGHT FEMURS AND CLOVERLEAF SKULL. Identifiers: Orphanet 2655, Orphanet 93274, MedGen C1300257, MONDO:0008547, OMIM 187601. Disease mechanism: gain of function.
Epidermal nevus. Also called: NEVUS, KERATINOCYTIC, NONEPIDERMOLYTIC; Nevus, epidermal, somatic. Identifiers: Orphanet 79414, MedGen C0334082, MONDO:0008093, OMIM 162900, HP:0010816.
Germ cell tumor of testis (TGCT). Also called: GERM CELL TUMOR, SOMATIC; Testicular germ cell tumor. Identifiers: Orphanet 363504, MedGen C1336708, MONDO:0010108, OMIM 273300.

Allele frequency attached by ClinVar (database versions not stated): gnomAD 0.00001 and 0.00002; gnomAD exomes 0.00002 and 0.00003; TOPMed 0.00002; ExAC 0.00004; ESP Exome Variant Server 0.00008.
gnomAD v4.1: 47 of 1,601,236 alleles (0.0029%); highest among the groups gnomAD compares: Non-Finnish European, 0.0037%; no homozygotes.

Submissions (3):

Labcorp Genetics (formerly Invitae), Labcorp
Classification: Uncertain significance. Last evaluated: 2024-06-05. Review status: criteria provided, single submitter. Criteria: Invitae Variant Classification Sherloc (09022015). Collection method: clinical testing. Allele origin: germline.
Comment: This sequence change replaces arginine, which is basic and polar, with tryptophan, which is neutral and slightly polar, at codon 805 of the FGFR3 protein (p.Arg805Trp). The frequency data for this variant in the population databases is considered unreliable, as metrics indicate poor data quality at this position in the gnomAD database. This variant has not been reported in the literature in individuals affected with FGFR3-related conditions. ClinVar contains an entry for this variant (Variation ID: 651478). Advanced modeling of protein sequence and biophysical properties (such as structural, functional, and spatial information, amino acid conservation, physicochemical variation, residue mobility, and thermodynamic stability) has been performed at Invitae for this missense variant, however the output from this modeling did not meet the statistical confidence thresholds required to predict the impact of this variant on FGFR3 protein function. In summary, the available evidence is currently insufficient to determine the role of this variant in disease. Therefore, it has been classified as a Variant of Uncertain Significance.

Women's Health and Genetics/Laboratory Corporation of America, LabCorp
Classification: Uncertain significance. Last evaluated: 2024-03-01. Review status: criteria provided, single submitter. Criteria: LabCorp Variant Classification Summary - May 2015. Collection method: clinical testing. Allele origin: germline.
Comment: Variant summary: FGFR3 c.2413C>T (p.Arg805Trp) results in a non-conservative amino acid change in the encoded protein sequence. Three of five in-silico tools predict a damaging effect of the variant on protein function. The variant allele was found at a frequency of 1.8e-05 in 218550 control chromosomes (gnomAD). The available data on variant occurrences in the general population are insufficient to allow any conclusion about variant significance. To our knowledge, no occurrence of c.2413C>T in individuals affected with Achondroplasia and no experimental evidence demonstrating its impact on protein function have been reported. ClinVar contains an entry for this variant (Variation ID: 651478). Based on the evidence outlined above, the variant was classified as uncertain significance.

Fulgent Genetics
Classification: Uncertain significance for Achondroplasia; Malignant tumor of urinary bladder; Colorectal cancer; Hypochondroplasia; LADD syndrome 1; Epidermal nevus; Thanatophoric dysplasia type 1; Thanatophoric dysplasia, type 2; Germ cell tumor of testis; Muenke syndrome; Cervical cancer; Camptodactyly-tall stature-scoliosis-hearing loss syndrome; Crouzon syndrome-acanthosis nigricans syndrome; Severe achondroplasia-developmental delay-acanthosis nigricans syndrome. Last evaluated: 2021-10-28. Review status: criteria provided, single submitter. Criteria: ACMG Guidelines, 2015. Collection method: clinical testing. Allele origin: unknown.